The following is an entry in ClinVar:

ClinVar aggregate classification (germline): Uncertain significance (1 of 4 stars; one submission).

Allele frequency attached by ClinVar (database versions not stated): gnomAD 0.00001; gnomAD exomes 0.00002.

Submission:

Labcorp Genetics (formerly Invitae), Labcorp
Classification: Uncertain significance. Last evaluated: 2022-05-19. Review status: criteria provided, single submitter. Criteria: Invitae Variant Classification Sherloc (09022015). Collection method: clinical testing. Allele origin: germline.
Comment: This sequence change replaces serine, which is neutral and polar, with phenylalanine, which is neutral and non-polar, at codon 137 of the SPP2 protein (p.Ser137Phe). This variant is present in population databases (rs768729113, gnomAD 0.0009%). This variant has not been reported in the literature in individuals affected with SPP2-related conditions. Algorithms developed to predict the effect of missense changes on protein structure and function are either unavailable or do not agree on the potential impact of this missense change (SIFT: "Deleterious"; PolyPhen-2: "Probably Damaging"; Align-GVGD: "Class C15"). In summary, the available evidence is currently insufficient to determine the role of this variant in disease. Therefore, it has been classified as a Variant of Uncertain Significance.

NM_006944.3(SPP2):c.410C>T (p.Ser137Phe)

Gene: SPP2 (secreted phosphoprotein 2; plus strand). Cytogenetic location: 2q37.1.
Variant type: single nucleotide variant.
Coding change: c.410C>T on transcript NM_006944.3 (MANE Select); coding-DNA position 410, C replaced by T.
Protein change: p.Ser137Phe; replaces serine 137 with phenylalanine.
Molecular consequence: missense variant.
Genome position (GRCh38, 1-based): chr2:234,060,445, C>T. VCF-style: chr2-234060445-C-T. GRCh37 (hg19) VCF-style: chr2-234969089-C-T.
Other names: short protein forms S137F.
Identifiers: ClinVar variation 2121634 (VCV002121634.4), dbSNP rs768729113, ClinGen allele CA67658939.